The following is an entry in ClinVar:

NM_015354.3(NUP188):c.2640+10T>C

Gene: NUP188 (nucleoporin 188; plus strand). Cytogenetic location: 9q34.11.
Variant type: single nucleotide variant.
Coding change: c.2640+10T>C on transcript NM_015354.3 (MANE Select); 10 bases into the intron after coding-DNA position 2640, T replaced by C.
Molecular consequence: intron variant.
Genome position (GRCh38, 1-based): chr9:128,990,236, T>C. VCF-style: chr9-128990236-T-C. GRCh37 (hg19) VCF-style: chr9-131752515-T-C.
Identifiers: ClinVar variation 3045752 (VCV003045752.2), dbSNP rs373569104, ClinGen allele CA5272709.

ClinVar aggregate classification (germline): Benign (0 of 4 stars; one submission).

Conditions:
NUP188-related disorder. Also called: NUP188-related condition.

Allele frequency attached by ClinVar (database versions not stated): gnomAD exomes 0.00076; TOPMed 0.00091; gnomAD 0.00095; ExAC 0.00108; ESP Exome Variant Server 0.00108.
gnomAD v4.1: 1,344 of 1,596,100 alleles (0.084%); highest among the groups gnomAD compares: Non-Finnish European, 0.017%; 20 homozygotes.

Submission:

PreventionGenetics, part of Exact Sciences
Classification: Benign for NUP188-related condition. Last evaluated: 2019-11-12. Review status: no assertion criteria provided. Collection method: clinical testing. Allele origin: germline.
Comment: This variant is classified as benign based on ACMG/AMP sequence variant interpretation guidelines (Richards et al. 2015 PMID: 25741868, with internal and published modifications).